The following is an entry in ClinVar:

NM_000400.4(ERCC2):c.106-5_142del

Gene: ERCC2 (ERCC excision repair 2, TFIIH core complex helicase subunit; minus strand). Cytogenetic location: 19q13.32.
Variant type: Deletion.
Coding change: c.106-5_142del on transcript NM_000400.4 (MANE Select); 5 bases into the intron before coding-DNA position 106 through coding-DNA position 142, 42 bases deleted.
Molecular consequence: splice acceptor variant.
Genome position (GRCh38, 1-based): chr19:45,369,111-45,369,152, 42 bases deleted; deleting any 42 consecutive bases within chr19:45,369,111-45,369,153 gives the same sequence; the c. name uses the placement nearest the transcript's 3' end. GRCh37 (hg19): chr19:45,872,370-45,872,411.
Other names: c.34-5_70del (NM_001130867.2).
Identifiers: ClinVar variation 2957121 (VCV002957121.4), dbSNP rs1972523679, ClinGen allele CA2338398292.
Genomic context (GRCh38, chr19:45,369,110, plus strand): 5'-GGGTTCAGCGCATCACTCACTCTCTGGTATGCCATGATCAGGGCCAACAGGGATACTGTC[TTCCCGGTGCCTGAGGGCATCTCCAGGACTCCATGACCCTGCA>T]TGTTGGGGACCAGAGGGGCAACACACAGGGTCTCAGAACCTTGGGCACACAAACTCTGGG-3'

ClinVar aggregate classification (germline): Likely pathogenic. Review status: criteria provided, multiple submitters, no conflicts (2 of 4 stars). 2 submissions from 2 submitters: Likely pathogenic (2). Last evaluated 2024-02-11.

Conditions:
Cerebrooculofacioskeletal syndrome 2 (COFS2). Identifiers: MedGen C1853102, MONDO:0012553, OMIM 610756.

Submissions (2):

Baylor Genetics
Classification: Likely pathogenic for Cerebrooculofacioskeletal syndrome 2. Last evaluated: 2024-02-11. Review status: criteria provided, single submitter. Criteria: ACMG Guidelines, 2015. Collection method: clinical testing. Allele origin: unknown.

Labcorp Genetics (formerly Invitae), Labcorp
Classification: Likely pathogenic. Last evaluated: 2023-09-06. Review status: criteria provided, single submitter. Criteria: Invitae Variant Classification Sherloc (09022015). Collection method: clinical testing. Allele origin: germline.
Comment: This variant results in the deletion of part of exon 3 (c.106-5_142del) of the ERCC2 gene. It is expected to disrupt RNA splicing. Variants that disrupt the donor or acceptor splice site typically lead to a loss of protein function (PMID: 16199547), and loss-of-function variants in ERCC2 are known to be pathogenic (PMID: 9238033, 11335038, 19085937, 19934020). This variant is not present in population databases (gnomAD no frequency). This variant has not been reported in the literature in individuals affected with ERCC2-related conditions. In summary, the currently available evidence indicates that the variant is pathogenic, but additional data are needed to prove that conclusively. Therefore, this variant has been classified as Likely Pathogenic.

Literature cited by the submitters: PubMed 16199547 (cited by Labcorp Genetics (formerly Invitae), Labcorp); PubMed 9238033 (cited by Labcorp Genetics (formerly Invitae), Labcorp); PubMed 11335038 (cited by Labcorp Genetics (formerly Invitae), Labcorp); PubMed 19085937 (cited by Labcorp Genetics (formerly Invitae), Labcorp); PubMed 19934020 (cited by Labcorp Genetics (formerly Invitae), Labcorp).